The following is an entry in ClinVar:

ClinVar aggregate classification (germline): Uncertain significance (1 of 4 stars; one submission).

Submission:

GeneDx
Classification: Uncertain significance. Last evaluated: 2022-01-11. Review status: criteria provided, single submitter. Criteria: GeneDx Variant Classification Process June 2021. Collection method: clinical testing. Allele origin: germline. Affected: yes.
Comment: Not observed at significant frequency in large population cohorts (gnomAD); In silico analysis supports that this missense variant has a deleterious effect on protein structure/function; Has not been previously published as pathogenic or benign to our knowledge.

NM_001366722.1(GRIP1):c.3001G>A (p.Glu1001Lys)

Gene: GRIP1 (glutamate receptor interacting protein 1; minus strand). Cytogenetic location: 12q14.3.
Variant type: single nucleotide variant.
Coding change: c.3001G>A on transcript NM_001366722.1 (MANE Select); coding-DNA position 3001, G replaced by A.
Protein change: p.Glu1001Lys; replaces glutamic acid 1001 with lysine.
Molecular consequence: missense variant.
Genome position (GRCh38, 1-based): chr12:66,371,705, C>T on the plus strand (G>A on the coding strand, the complement: GRIP1 is on the minus strand). VCF-style: chr12-66371705-C-T. GRCh37 (hg19) VCF-style: chr12-66765485-C-T.
Other names: c.2800G>A, p.Glu934Lys (NM_001178074.2, NM_001379351.1); c.2920G>A, p.Glu974Lys (NM_001366723.1); c.2923G>A, p.Glu975Lys (NM_001366724.1); c.3079G>A, p.Glu1027Lys (NM_001379345.1); c.2956G>A, p.Glu986Lys (NM_001379346.1); c.2878G>A, p.Glu960Lys (NM_001379347.1); c.2875G>A, p.Glu959Lys (NM_001379348.1); c.2848G>A, p.Glu950Lys (NM_001379349.1); and 1 more; short protein forms E1001K, E1027K, E934K, E949K, E950K, E959K, E960K, E974K.
Identifiers: ClinVar variation 1698026 (VCV001698026.2), dbSNP rs2137293909, ClinGen allele CA385624435.